The following is an entry in ClinVar:

NM_001384732.1(CPLANE1):c.7604A>G (p.Asp2535Gly)

Gene: CPLANE1 (ciliogenesis and planar polarity effector complex subunit 1; minus strand). Cytogenetic location: 5p13.2.
Variant type: single nucleotide variant.
Coding change: c.7604A>G on transcript NM_001384732.1 (MANE Select); coding-DNA position 7604, A replaced by G.
Protein change: p.Asp2535Gly; replaces aspartic acid 2535 with glycine.
Molecular consequence: missense variant.
Genome position (GRCh38, 1-based): chr5:37,162,551, T>C on the plus strand (A>G on the coding strand, the complement: CPLANE1 is on the minus strand). VCF-style: chr5-37162551-T-C. GRCh37 (hg19) VCF-style: chr5-37162653-T-C.
Other names: c.7604A>G, p.Asp2535Gly (NM_023073.4); short protein forms D2535G.
Identifiers: ClinVar variation 1481287 (VCV001481287.8), dbSNP rs2150808164, ClinGen allele CA359475989.

ClinVar aggregate classification (germline): Uncertain significance (1 of 4 stars; one submission).

gnomAD v4.1: 2 of 1,609,448 alleles (0.00012%); highest among the groups gnomAD compares: Middle Eastern, 0.017%; no homozygotes.

Submission:

Labcorp Genetics (formerly Invitae), Labcorp
Classification: Uncertain significance. Last evaluated: 2022-09-01. Review status: criteria provided, single submitter. Criteria: Invitae Variant Classification Sherloc (09022015). Collection method: clinical testing. Allele origin: germline.
Comment: This sequence change replaces aspartic acid, which is acidic and polar, with glycine, which is neutral and non-polar, at codon 2535 of the CPLANE1 protein (p.Asp2535Gly). In summary, the available evidence is currently insufficient to determine the role of this variant in disease. Therefore, it has been classified as a Variant of Uncertain Significance. Algorithms developed to predict the effect of sequence changes on RNA splicing suggest that this variant may create or strengthen a splice site. Advanced modeling of protein sequence and biophysical properties (such as structural, functional, and spatial information, amino acid conservation, physicochemical variation, residue mobility, and thermodynamic stability) performed at Invitae indicates that this missense variant is not expected to disrupt CPLANE1 protein function. ClinVar contains an entry for this variant (Variation ID: 1481287). This variant has not been reported in the literature in individuals affected with CPLANE1-related conditions. This variant is not present in population databases (gnomAD no frequency).